The following is an entry in ClinVar:

NM_000214.3(JAG1):c.116T>C (p.Ile39Thr)

Gene: JAG1 (jagged canonical Notch ligand 1; minus strand). Cytogenetic location: 20p12.2.
Variant type: single nucleotide variant.
Coding change: c.116T>C on transcript NM_000214.3 (MANE Select); coding-DNA position 116, T replaced by C.
Protein change: p.Ile39Thr; replaces isoleucine 39 with threonine.
Molecular consequence: missense variant.
Genome position (GRCh38, 1-based): chr20:10,672,972, A>G on the plus strand (T>C on the coding strand, the complement: JAG1 is on the minus strand). VCF-style: chr20-10672972-A-G. GRCh37 (hg19) VCF-style: chr20-10653620-A-G.
Other names: short protein forms I39T.
Identifiers: ClinVar variation 3573385 (VCV003573385.2).

Conditions:
Arteriohepatic dysplasia. Also called: Alagille Syndrome. Identifiers: Orphanet 52, MedGen C0085280, MeSH D016738, MONDO:0007318.

Submission:

Gilbert/Spinner Lab, Children's Hospital of Philadelphia
No classification provided (evidence only). Condition: Alagille syndrome. Review status: no classification provided. Collection method: research. Allele origin: not applicable. Functional consequence: functionally_abnormal.
ClinVar note: "not provided" was previously submitted as the classification for the variant. However, the classification appeared to be based only on an observation of functional data so it was converted to no classification on 2025-07-30.